The following is an entry in ClinVar:

ClinVar aggregate classification (germline): Uncertain significance. Review status: criteria provided, multiple submitters, no conflicts (2 of 4 stars). 2 submissions from 2 submitters: Uncertain significance (2). Last evaluated 2025-05-17.

Conditions:
Inborn genetic diseases. Identifiers: MedGen C0950123, MeSH D030342.
Pulmonary fibrosis and/or bone marrow failure, Telomere-related, 3. Also called: PULMONARY FIBROSIS AND/OR BONE MARROW FAILURE SYNDROME, TELOMERE-RELATED, 3. Identifiers: Orphanet 2032, MedGen C4225346, MONDO:0014613, OMIM 616373.
Dyskeratosis congenita, autosomal recessive 5 (DKCB5). Identifiers: MedGen C3554656, MONDO:0014076, OMIM 615190.

gnomAD v4.1: 5 of 1,612,410 alleles (0.00031%); highest among the groups gnomAD compares: South Asian, 0.0011%; no homozygotes.

Submissions (2):

Ambry Genetics
Classification: Uncertain significance for Inborn genetic diseases. Last evaluated: 2025-05-17. Review status: criteria provided, single submitter. Criteria: Ambry Variant Classification Scheme 2023. Collection method: clinical testing. Allele origin: germline.
Comment: The p.T1133R variant (also known as c.3398C>G), located in coding exon 32 of the RTEL1 gene, results from a C to G substitution at nucleotide position 3398. The threonine at codon 1133 is replaced by arginine, an amino acid with similar properties. This amino acid position is conserved. In addition, this alteration is predicted to be tolerated by in silico analysis. Based on the available evidence, the clinical significance of this variant remains unclear.

Labcorp Genetics (formerly Invitae), Labcorp
Classification: Uncertain significance for Dyskeratosis congenita, autosomal recessive 5; Pulmonary fibrosis and/or bone marrow failure, Telomere-related, 3. Last evaluated: 2024-03-27. Review status: criteria provided, single submitter. Criteria: Invitae Variant Classification Sherloc (09022015). Collection method: clinical testing. Allele origin: germline.
Comment: This sequence change replaces threonine, which is neutral and polar, with arginine, which is basic and polar, at codon 1133 of the RTEL1 protein (p.Thr1133Arg). This variant is not present in population databases (gnomAD no frequency). This variant has not been reported in the literature in individuals affected with RTEL1-related conditions. An algorithm developed to predict the effect of missense changes on protein structure and function (PolyPhen-2) suggests that this variant is likely to be tolerated. In summary, the available evidence is currently insufficient to determine the role of this variant in disease. Therefore, it has been classified as a Variant of Uncertain Significance.

NM_001283009.2(RTEL1):c.3398C>G (p.Thr1133Arg)

Genes: RTEL1 (regulator of telomere elongation helicase 1; plus strand), RTEL1-TNFRSF6B (RTEL1-TNFRSF6B readthrough (NMD candidate); plus strand). Cytogenetic location: 20q13.33.
Variant type: single nucleotide variant.
Coding change: c.3398C>G on transcript NM_001283009.2 (MANE Select); coding-DNA position 3398, C replaced by G.
Protein change: p.Thr1133Arg; replaces threonine 1133 with arginine.
Molecular consequence: missense variant. On other transcripts: non-coding transcript variant (1).
Genome position (GRCh38, 1-based): chr20:63,695,120, C>G. VCF-style: chr20-63695120-C-G. GRCh37 (hg19) VCF-style: chr20-62326473-C-G.
Other names: c.2729C>G, p.Thr910Arg (NM_001283010.1); c.3398C>G, p.Thr1133Arg (NM_016434.4); c.3470C>G, p.Thr1157Arg (NM_032957.5); short protein forms T1133R, T1157R, T910R.
Identifiers: ClinVar variation 3750692 (VCV003750692.3).